The following is an entry in ClinVar:

ClinVar aggregate classification (germline): Pathogenic. Review status: reviewed by expert panel (3 of 4 stars). 6 submissions from 6 submitters: Pathogenic (1). 5 of the submissions do not count toward it. Last evaluated 2016-10-18.

Conditions:
Hereditary cancer-predisposing syndrome. Also called: Hereditary Cancer Syndrome; Neoplastic Syndromes, Hereditary; Hereditary neoplastic syndrome; Tumor predisposition. Identifiers: Orphanet 140162, MedGen C0027672, MeSH D009386, MONDO:0015356.
Hereditary breast ovarian cancer syndrome. Also called: Hereditary breast and ovarian cancer syndrome (HBOC); Breast and ovarian cancer; Hereditary breast and ovarian cancer syndrome; Hereditary breast and ovarian cancer; BRCA1- and BRCA2-Associated Hereditary Breast and Ovarian Cancer; Hereditary breast and/or ovarian cancer syndrome. Identifiers: Orphanet 145, MedGen C0677776, MeSH D061325, MONDO:0003582. Disease mechanism: loss of function.
Breast-ovarian cancer, familial, susceptibility to, 1 (BROVCA1). Also called: BRCA1 Hereditary Breast and Ovarian Cancer; OVARIAN CANCER, SUSCEPTIBILITY TO. Identifiers: Orphanet 145, MedGen C2676676, MONDO:0011450, OMIM 604370. Disease mechanism: loss of function.

Submissions (6):

Evidence-based Network for the Interpretation of Germline Mutant Alleles (ENIGMA)
Classification: Pathogenic for Breast-ovarian cancer, familial, susceptibility to, 1. Last evaluated: 2016-10-18. Review status: reviewed by expert panel. Criteria: ENIGMA BRCA1/2 Classification Criteria (2015). Collection method: curation. Allele origin: germline.
Comment: Variant allele predicted to encode a truncated non-functional protein.

Quest Diagnostics Nichols Institute San Juan Capistrano
Classification: Pathogenic. Last evaluated: 2022-11-04. Review status: criteria provided, single submitter. Criteria: Quest Diagnostics criteria. Collection method: clinical testing. Allele origin: unknown. Not counted in ClinVar's aggregate classification.
Comment: This frameshift variant alters the translational reading frame of the BRCA1 mRNA and causes the premature termination of BRCA1 protein synthesis. This variant has not been reported in large, multi-ethnic general populations. In the published literature, the variant has been reported in individuals with breast cancer as well as in unaffected controls in a breast cancer association study (PMID: 33471991 (2021), see also LOVD). Based on the available information, this variant is classified as pathogenic.

Baylor Genetics
Classification: Pathogenic for Breast-ovarian cancer, familial, susceptibility to, 1. Last evaluated: 2022-05-19. Review status: criteria provided, single submitter. Criteria: ACMG Guidelines, 2015. Collection method: clinical testing. Allele origin: unknown. Not counted in ClinVar's aggregate classification.

Ambry Genetics
Classification: Pathogenic for Hereditary cancer-predisposing syndrome. Last evaluated: 2021-12-16. Review status: criteria provided, single submitter. Criteria: Ambry Variant Classification Scheme 2023. Collection method: clinical testing. Allele origin: germline. Not counted in ClinVar's aggregate classification.
Comment: The c.2704delG pathogenic mutation, located in coding exon 9 of the BRCA1 gene, results from a deletion of one nucleotide at nucleotide position 2704, causing a translational frameshift with a predicted alternate stop codon (p.E902Nfs*98). This alteration was detected in cohort of 2733 patients with breast cancer diagnosed at 40 and younger (Copson ER et al. Lancet Oncol, 2018 02;19:169-180). This alteration was also reported in 1/60,466 breast cancer cases and in 1/53,461 controls (Dorling et al. N Engl J Med. 2021 02;384:428-439). In addition to the clinical data presented in the literature, this alteration is expected to result in loss of function by premature protein truncation or nonsense-mediated mRNA decay. As such, this alteration is interpreted as a disease-causing mutation.

Labcorp Genetics (formerly Invitae), Labcorp
Classification: Pathogenic for Hereditary breast ovarian cancer syndrome. Last evaluated: 2019-02-11. Review status: criteria provided, single submitter. Criteria: Invitae Variant Classification Sherloc (09022015). Collection method: clinical testing. Allele origin: germline. Not counted in ClinVar's aggregate classification.
Comment: This sequence change creates a premature translational stop signal (p.Glu902Asnfs*98) in the BRCA1 gene. It is expected to result in an absent or disrupted protein product. This variant is not present in population databases (ExAC no frequency). This variant has been reported in individuals in the Leiden Open-source Variation Database (PMID: 21520333). ClinVar contains an entry for this variant (Variation ID: 266295). Loss-of-function variants in BRCA1 are known to be pathogenic (PMID: 20104584). For these reasons, this variant has been classified as Pathogenic.

Consortium of Investigators of Modifiers of BRCA1/2 (CIMBA), c/o University of Cambridge
Classification: Pathogenic for Breast-ovarian cancer, familial, susceptibility to, 1. Last evaluated: 2015-10-02. Review status: criteria provided, single submitter. Criteria: CIMBA Mutation Classification guidelines May 2016. Collection method: clinical testing. Allele origin: germline. Not counted in ClinVar's aggregate classification.

Literature cited by the submitters: PubMed 33471991 (cited by Quest Diagnostics Nichols Institute San Juan Capistrano and Ambry Genetics); PubMed 29446198 (cited by Quest Diagnostics Nichols Institute San Juan Capistrano); PubMed 29337092 (cited by Ambry Genetics); PubMed 21520333 (cited by Labcorp Genetics (formerly Invitae), Labcorp); PubMed 20104584 (cited by Labcorp Genetics (formerly Invitae), Labcorp).

NM_007294.4(BRCA1):c.2704del (p.Glu902fs)

Gene: BRCA1 (BRCA1 DNA repair associated; minus strand). Cytogenetic location: 17q21.31.
Variant type: Deletion.
Coding change: c.2704del on transcript NM_007294.4 (MANE Select); coding-DNA position 2704, one base deleted (G; older notation c.2704delG).
Protein change: p.Glu902fs; shifts the reading frame from glutamic acid 902.
Molecular consequence: frameshift variant. On other transcripts: intron variant (137).
Genome position (GRCh38, 1-based): chr17:43,092,827, C deleted on the plus strand (G on the coding strand, the reverse complement: BRCA1 is on the minus strand). VCF-style (leftmost placement, unchanged base first): chr17-43092826-TC-T. GRCh37 (hg19) VCF-style: chr17-41244843-TC-T.
Other names: 2823delG; c.2491del, p.Glu831fs (NM_001407571.1, NM_001407853.1, NM_001407894.1 and 9 more transcripts); c.2704del, p.Glu902fs (NM_001407581.1, NM_001407582.1, NM_001407583.1 and 30 more transcripts); c.2701del, p.Glu901fs (NM_001407587.1, NM_001407590.1, NM_001407591.1 and 22 more transcripts); c.2695del, p.Glu899fs (NM_001407646.1, NM_001407647.1); c.2581del, p.Glu861fs (NM_001407648.1, NM_001407664.1, NM_001407665.1 and 19 more transcripts); c.2578del, p.Glu860fs (NM_001407649.1, NM_001407670.1, NM_001407671.1 and 11 more transcripts); c.2626del, p.Glu876fs (NM_001407653.1, NM_001407654.1, NM_001407655.1 and 4 more transcripts); and 43 more; short protein forms E902fs, E855fs, E791fs, E813fs, E814fs, E832fs, E834fs, E854fs.
Identifiers: ClinVar variation 266295 (VCV000266295.18), dbSNP rs886040064, ClinGen allele CA10589821.